The following is an entry in ClinVar:

NM_002273.4(KRT8):c.187A>G (p.Ile63Val)

Gene: KRT8 (keratin 8; minus strand). Cytogenetic location: 12q13.13.
Variant type: single nucleotide variant.
Coding change: c.187A>G on transcript NM_002273.4 (MANE Select); coding-DNA position 187, A replaced by G.
Protein change: p.Ile63Val; replaces isoleucine 63 with valine.
Molecular consequence: missense variant. On other transcripts: non-coding transcript variant (1).
Genome position (GRCh38, 1-based): chr12:52,904,795, T>C on the plus strand (A>G on the coding strand, the complement: KRT8 is on the minus strand). VCF-style: chr12-52904795-T-C. GRCh37 (hg19) VCF-style: chr12-53298579-T-C.
Other names: c.271A>G, p.Ile91Val (NM_001256282.2); c.187A>G, p.Ile63Val (NM_001256293.2); short protein forms I63V, I91V.
Identifiers: ClinVar variation 66533 (VCV000066533.5), dbSNP rs59536457, ClinGen allele CA217264.

ClinVar aggregate classification (germline): Benign/Likely benign. Review status: criteria provided, multiple submitters, no conflicts (2 of 4 stars). 6 submissions from 6 submitters: Benign (1); Likely benign (4). 1 of the submissions does not count toward it. Last evaluated 2026-02-16.

Conditions:
Inflammatory bowel disease. Identifiers: Orphanet 104012, MedGen C0021390, MONDO:0005265.
Hepatitis C virus, susceptibility to. Also called: HCV, SUSCEPTIBILITY TO. Identifiers: MedGen C1835407, MONDO:0012292, OMIM 609532.

Allele frequency attached by ClinVar (database versions not stated): 1000 Genomes Project 30x 0.00265; TOPMed 0.00275; ESP Exome Variant Server 0.00285; 1000 Genomes Project 0.00300; gnomAD 0.00302 and 0.00323; gnomAD exomes 0.00411 and 0.00466; ExAC 0.00431.
gnomAD v4.1: 7,257 of 1,612,286 alleles (0.45%); highest among the groups gnomAD compares: South Asian, 1%; 34 homozygotes.

Submissions (6):

Women's Health and Genetics/Laboratory Corporation of America, LabCorp
Classification: Likely benign. Last evaluated: 2026-02-16. Review status: criteria provided, single submitter. Criteria: LabCorp Variant Classification Summary - May 2015. Collection method: clinical testing. Allele origin: germline.

Mendelics
Classification: Benign for Hepatitis C virus, susceptibility to. Last evaluated: 2019-05-28. Review status: criteria provided, single submitter. Criteria: Mendelics Assertion Criteria 2017. Collection method: clinical testing. Allele origin: unknown.

GeneDx
Classification: Likely benign. Last evaluated: 2017-11-21. Review status: criteria provided, single submitter. Criteria: GeneDx Variant Classification (06012015). Collection method: clinical testing. Allele origin: germline. Affected: yes.
Comment: This variant is considered likely benign or benign based on one or more of the following criteria: it is a conservative change, it occurs at a poorly conserved position in the protein, it is predicted to be benign by multiple in silico algorithms, and/or has population frequency not consistent with disease.

Breakthrough Genomics
Classification: Likely benign. Review status: criteria provided, single submitter. Criteria: ACMG Guidelines, 2015. Collection method: not provided. Allele origin: germline. Inheritance: Unknown mechanism. Affected: yes.

Broad Center for Mendelian Genomics, Broad Institute of MIT and Harvard
Classification: Likely benign for Inflammatory bowel disease. Review status: criteria provided, single submitter. Criteria: ACMG Guidelines, 2015. Collection method: research. Allele origin: germline. Affected: yes.
Comment: The heterozygous p.Ile63Val variant, sometimes called p.Ile91Val due to a difference in cDNA numbering, in KRT8 has been identified in an individual with inflammatory bowel disease (PMID: 15090596), but has also been identified in >1% of South Asian chromosomes and 4 homozygotes by ExAC. In summary, although additional studies are required to fully establish its clinical significance, this variant meets criteria to be classified as likely benign for inflammatory bowel disease.

Epithelial Biology;  Institute of Medical Biology, Singapore
No classification provided. Review status: no classification provided. Collection method: not provided. Allele origin: not provided. Not counted in ClinVar's aggregate classification.

Literature cited by the submitters: PubMed 15090596 (cited by Broad Center for Mendelian Genomics, Broad Institute of MIT and Harvard).